The following is an entry in ClinVar:

NM_001364905.1(LRBA):c.3591C>T (p.Ser1197=)

Gene: LRBA (LPS responsive beige-like anchor protein; minus strand). Cytogenetic location: 4q31.3.
Variant type: single nucleotide variant.
Coding change: c.3591C>T on transcript NM_001364905.1 (MANE Select); coding-DNA position 3591, C replaced by T.
Protein change: p.Ser1197=; no amino-acid change (serine 1197 retained).
Molecular consequence: synonymous variant.
Genome position (GRCh38, 1-based): chr4:150,852,119, G>A on the plus strand (C>T on the coding strand, the complement: LRBA is on the minus strand). VCF-style: chr4-150852119-G-A. GRCh37 (hg19) VCF-style: chr4-151773271-G-A.
Other names: c.3591C>T, p.Ser1197= (NM_001199282.3, NM_001367550.1, NM_006726.5).
Identifiers: ClinVar variation 1555327 (VCV001555327.10), dbSNP rs766474483, ClinGen allele CA3103018.

ClinVar aggregate classification (germline): Likely benign. Review status: criteria provided, multiple submitters, no conflicts (2 of 4 stars). 3 submissions from 3 submitters: Likely benign (2). 1 of the submissions does not count toward it. Last evaluated 2025-09-02.

Conditions:
Combined immunodeficiency due to LRBA deficiency. Also called: Common variable immunodeficiency 8, with autoimmunity. Identifiers: Orphanet 445018, MedGen C3553512, MONDO:0013863, OMIM 614700.
LRBA-related disorder. Also called: LRBA-related condition.

Allele frequency attached by ClinVar (database versions not stated): gnomAD 0.00001; gnomAD exomes 0.00001; ExAC 0.00002; TOPMed 0.00002.
gnomAD v4.1: 22 of 1,613,886 alleles (0.0014%); highest among the groups gnomAD compares: Admixed American, 0.0017%; no homozygotes.

Submissions (3):

Labcorp Genetics (formerly Invitae), Labcorp
Classification: Likely benign for Combined immunodeficiency due to LRBA deficiency. Last evaluated: 2025-09-02. Review status: criteria provided, single submitter. Criteria: Invitae Variant Classification Sherloc (09022015). Collection method: clinical testing. Allele origin: germline.

Blueprint Genetics
Classification: Likely benign. Last evaluated: 2020-09-22. Review status: criteria provided, single submitter. Criteria: ACMG Guidelines, 2015. Collection method: clinical testing. Allele origin: germline.

PreventionGenetics, part of Exact Sciences
Classification: Likely benign for LRBA-related condition. Last evaluated: 2024-08-28. Review status: no assertion criteria provided. Collection method: clinical testing. Allele origin: germline. Not counted in ClinVar's aggregate classification.
Comment: This variant is classified as likely benign based on ACMG/AMP sequence variant interpretation guidelines (Richards et al. 2015 PMID: 25741868, with internal and published modifications).